The following is an entry in ClinVar:

NM_024537.4(CARS2):c.164_178del (p.Tyr55_Gly60delinsTrp)

Genes: CARS2 (cysteinyl-tRNA synthetase 2, mitochondrial; minus strand), LOC130010127 (ATAC-STARR-seq lymphoblastoid silent region 5509; plus strand). Cytogenetic location: 13q34.
Variant type: Deletion.
Coding change: c.164_178del on transcript NM_024537.4 (MANE Select); coding-DNA positions 164 to 178, 15 bases deleted (ACAACAGCCTCACCG).
Protein change: p.Tyr55_Gly60delinsTrp.
Molecular consequence: inframe indel. On other transcripts: non-coding transcript variant (1), intron variant (1).
Genome position (GRCh38, 1-based): chr13:110,705,916-110,705,930, CGGTGAGGCTGTTGT deleted on the plus strand (ACAACAGCCTCACCG on the coding strand, the reverse complement: CARS2 is on the minus strand). VCF-style (leftmost placement, unchanged base first): chr13-110705915-CCGGTGAGGCTGTTGT-C. GRCh37 (hg19) VCF-style: chr13-111358262-CCGGTGAGGCTGTTGT-C.
Other names: c.164_178del, p.Tyr55_Gly60delinsTrp (NM_001352253.3); c.-775-359_-775-345del (NM_001352252.2).
Identifiers: ClinVar variation 4087807 (VCV004087807.1).

ClinVar aggregate classification (germline): Uncertain significance (1 of 4 stars; one submission).

Submission:

GeneDx
Classification: Uncertain significance. Last evaluated: 2025-03-25. Review status: criteria provided, single submitter. Criteria: GeneDx Variant Classification Process June 2021. Collection method: clinical testing. Allele origin: germline. Affected: yes.
Comment: Not observed at significant frequency in large population cohorts (gnomAD); In-frame deletion of 6 amino acids and insertion of 1 different amino acid in a non-repeat region; In silico analysis supports a deleterious effect on protein structure/function; Has not been previously published as pathogenic or benign to our knowledge